The following is an entry in ClinVar:

ClinVar aggregate classification (germline): Uncertain significance. Review status: criteria provided, multiple submitters, no conflicts (2 of 4 stars). 2 submissions from 2 submitters: Uncertain significance (2). Last evaluated 2025-09-18.

Conditions:
Osteogenesis imperfecta type I (OI1). Also called: OI, TYPE I; OSTEOGENESIS IMPERFECTA TARDA; OSTEOGENESIS IMPERFECTA WITH BLUE SCLERAE; Osteogenesis imperfecta type 1; Classic Non-deforming Osteogenesis Imperfecta with Blue Sclerae; Lobstein's Disease. Identifiers: Orphanet 216796, Orphanet 666, MedGen C0023931, MONDO:0008146, OMIM 166200. Disease mechanism: loss of function.
Ehlers-Danlos syndrome, classic type, 1 (EDSCL1). Also called: EHLERS-DANLOS SYNDROME, GRAVIS TYPE; EHLERS-DANLOS SYNDROME, SEVERE CLASSIC TYPE; EDS I; Ehlers-Danlos Syndrome, Classic Type, COL5A1-Related; Ehlers-Danlos syndrome, type 1. Identifiers: MedGen C0268335, MONDO:0019567, OMIM 130000.

Submissions (2):

GeneDx
Classification: Uncertain significance. Last evaluated: 2025-09-18. Review status: criteria provided, single submitter. Criteria: GeneDx Variant Classification Process June 2021. Collection method: clinical testing. Allele origin: germline. Affected: yes.
Comment: Not observed at significant frequency in large population cohorts (gnomAD); In silico analysis supports that this missense variant has a deleterious effect on protein structure/function; Not located in the triple helical region, where the majority of pathogenic missense variants occur (HGMD); Has not been previously published as pathogenic or benign to our knowledge

Labcorp Genetics (formerly Invitae), Labcorp
Classification: Uncertain significance for Osteogenesis imperfecta type I; Ehlers-Danlos syndrome, classic type, 1. Last evaluated: 2023-08-11. Review status: criteria provided, single submitter. Criteria: Invitae Variant Classification Sherloc (09022015). Collection method: clinical testing. Allele origin: germline.
Comment: Advanced modeling of protein sequence and biophysical properties (such as structural, functional, and spatial information, amino acid conservation, physicochemical variation, residue mobility, and thermodynamic stability) performed at Invitae indicates that this missense variant is expected to disrupt COL1A2 protein function. In summary, the available evidence is currently insufficient to determine the role of this variant in disease. Therefore, it has been classified as a Variant of Uncertain Significance. ClinVar contains an entry for this variant (Variation ID: 1062903). This variant has not been reported in the literature in individuals affected with COL1A2-related conditions. This variant is not present in population databases (gnomAD no frequency). This sequence change replaces glycine, which is neutral and non-polar, with arginine, which is basic and polar, at codon 1294 of the COL1A2 protein (p.Gly1294Arg).

NM_000089.4(COL1A2):c.3880G>C (p.Gly1294Arg)

Gene: COL1A2 (collagen type I alpha 2 chain; plus strand). Cytogenetic location: 7q21.3.
Variant type: single nucleotide variant.
Coding change: c.3880G>C on transcript NM_000089.4 (MANE Select); coding-DNA position 3880, G replaced by C.
Protein change: p.Gly1294Arg; replaces glycine 1294 with arginine.
Molecular consequence: missense variant.
Genome position (GRCh38, 1-based): chr7:94,429,356, G>C. VCF-style: chr7-94429356-G-C. GRCh37 (hg19) VCF-style: chr7-94058668-G-C.
Other names: c.3880G>C (NM_000089.3); short protein forms G1294R.
Identifiers: ClinVar variation 1062903 (VCV001062903.12), dbSNP rs2115966913, ClinGen allele CA368226953.